The following is an entry in ClinVar:

ClinVar aggregate classification (germline): Uncertain significance. Review status: criteria provided, multiple submitters, no conflicts (2 of 4 stars). 2 submissions from 2 submitters: Uncertain significance (2). Last evaluated 2025-04-03.

Conditions:
Fanconi anemia (FA). Also called: Fanconi's anemia. Identifiers: Orphanet 84, MedGen C0015625, MeSH D005199, MONDO:0019391.
Inborn genetic diseases. Identifiers: MedGen C0950123, MeSH D030342.

Submissions (2):

Ambry Genetics
Classification: Uncertain significance for Inborn genetic diseases. Last evaluated: 2025-04-03. Review status: criteria provided, single submitter. Criteria: Ambry Variant Classification Scheme 2023. Collection method: clinical testing. Allele origin: germline.
Comment: The p.P191L variant (also known as c.572C>T), located in coding exon 2 of the FANCM gene, results from a C to T substitution at nucleotide position 572. The proline at codon 191 is replaced by leucine, an amino acid with similar properties. This amino acid position is conserved. In addition, the in silico prediction for this alteration is inconclusive. Based on the available evidence, the clinical significance of this variant remains unclear.

Labcorp Genetics (formerly Invitae), Labcorp
Classification: Uncertain significance for Fanconi anemia. Last evaluated: 2017-08-08. Review status: criteria provided, single submitter. Criteria: Invitae Variant Classification Sherloc (09022015). Collection method: clinical testing. Allele origin: germline.
Comment: In summary, the available evidence is currently insufficient to determine the role of this variant in disease. Therefore, it has been classified as a Variant of Uncertain Significance. Algorithms developed to predict the effect of missense changes on protein structure and function do not agree on the potential impact of this missense change (SIFT: "Deleterious"; PolyPhen-2: "Probably Damaging"; Align-GVGD: "Class C0"). This variant has not been reported in the literature in individuals with FANCM-related disease. This variant is not present in population databases (ExAC no frequency). This sequence change replaces proline with leucine at codon 191 of the FANCM protein (p.Pro191Leu). The proline residue is highly conserved and there is a moderate physicochemical difference between proline and leucine.

NM_020937.4(FANCM):c.572C>T (p.Pro191Leu)

Gene: FANCM (FA complementation group M; plus strand). Cytogenetic location: 14q21.2.
Variant type: single nucleotide variant.
Coding change: c.572C>T on transcript NM_020937.4 (MANE Select); coding-DNA position 572, C replaced by T.
Protein change: p.Pro191Leu; replaces proline 191 with leucine.
Molecular consequence: missense variant.
Genome position (GRCh38, 1-based): chr14:45,137,132, C>T. VCF-style: chr14-45137132-C-T. GRCh37 (hg19) VCF-style: chr14-45606335-C-T.
Other names: c.572C>T, p.Pro191Leu (NM_001308133.2, NM_001308134.2); short protein forms P191L.
Identifiers: ClinVar variation 456277 (VCV000456277.9), dbSNP rs1555358635, ClinGen allele CA389588743.
Genomic context (GRCh38, chr14:45,137,132, plus strand): 5'-CTACACAAGCTTCCACCAGGAAGGAAATATGGTGCAGTAAGAGAGTGCTTTTTCTTACAC[C>T]TCAGGTCATGGTAAATGACCTTTCTAGAGGAGCTTGTCCCGCTGCTGAAATAAAGTGTTT-3'
Protein context (NP_065988.1, residues 181-201): WCSKRVLFLT[Pro191Leu]QVMVNDLSRG